The following is an entry in ClinVar:

NM_004990.4(MARS1):c.1489C>T (p.Arg497Ter)

Gene: MARS1 (methionyl-tRNA synthetase 1; plus strand). Cytogenetic location: 12q13.3.
Variant type: single nucleotide variant.
Coding change: c.1489C>T on transcript NM_004990.4 (MANE Select); coding-DNA position 1489, C replaced by T.
Protein change: p.Arg497Ter; replaces arginine 497 with a stop codon.
Molecular consequence: nonsense.
Genome position (GRCh38, 1-based): chr12:57,511,818, C>T. VCF-style: chr12-57511818-C-T. GRCh37 (hg19) VCF-style: chr12-57905601-C-T.
Other names: c.1489C>T (NM_004990.3); short protein forms R497*.
Identifiers: ClinVar variation 2926850 (VCV002926850.4), dbSNP rs368761444, ClinGen allele CA6650528.
Genomic context (GRCh38, chr12:57,511,818, plus strand): 5'-AATGCCCAGTTTATCACCCGTTCTTGGCTTCGGGATGGCCTCAAGCCACGCTGCATAACC[C>T]GAGACCTCAAATGGGGAACCCCTGTACCCTTAGAAGGTTTTGAAGACAAGGTAAAAACCC-3'

ClinVar aggregate classification (germline): Uncertain significance. Review status: criteria provided, multiple submitters, no conflicts (2 of 4 stars). 2 submissions from 2 submitters: Uncertain significance (2). Last evaluated 2025-10-27.

Conditions:
MARS1-related disorder. Also called: MARS1-related condition.
Severe early-onset pulmonary alveolar proteinosis due to MARS deficiency. Also called: PULMONARY ALVEOLAR PROTEINOSIS, REUNION ISLAND; Interstitial lung and liver disease. Identifiers: Orphanet 440427, MedGen C4225400, MONDO:0014206, OMIM 615486.
Charcot-Marie-Tooth disease axonal type 2U. Also called: CHARCOT-MARIE-TOOTH NEUROPATHY, TYPE 2U; CHARCOT-MARIE-TOOTH DISEASE, AXONAL, AUTOSOMAL DOMINANT, TYPE 2U. Identifiers: Orphanet 397735, MedGen C4084821, MONDO:0014566, OMIM 616280.

Allele frequency attached by ClinVar (database versions not stated): ESP Exome Variant Server 0.00015; 1000 Genomes Project 30x 0.00016; 1000 Genomes Project 0.00020.
gnomAD v4.1: 20 of 1,614,152 alleles (0.0012%); highest among the groups gnomAD compares: African/African-American, 0.019%; no homozygotes.

Submissions (2):

PreventionGenetics, part of Exact Sciences
Classification: Uncertain significance for MARS1-related condition. Last evaluated: 2025-10-27. Review status: criteria provided, single submitter. Criteria: ACMG Guidelines, 2015. Collection method: clinical testing. Allele origin: germline.
Comment: The MARS1 c.1489C>T variant is predicted to result in premature protein termination (p.Arg497*). To our knowledge, this variant has not been reported in the literature. This variant is reported in 0.024% of alleles in individuals of African descent in gnomAD. At this time, a limited number of nonsense, frameshift, and splice variants have been reported in MARS1 and loss-of-function is not an established mechanism of MARS1-related disease. The clinical significance of this variant is uncertain due to the absence of conclusive functional and genetic evidence.

Labcorp Genetics (formerly Invitae), Labcorp
Classification: Uncertain significance for Charcot-Marie-Tooth disease axonal type 2U; Severe early-onset pulmonary alveolar proteinosis due to MARS deficiency. Last evaluated: 2025-01-27. Review status: criteria provided, single submitter. Criteria: Invitae Variant Classification Sherloc (09022015). Collection method: clinical testing. Allele origin: germline.
Comment: This sequence change creates a premature translational stop signal (p.Arg497*) in the MARS gene. It is expected to result in an absent or disrupted protein product. However, the current clinical and genetic evidence is not sufficient to establish whether loss-of-function variants in MARS cause disease. This variant is present in population databases (rs368761444, gnomAD 0.02%). This variant has not been reported in the literature in individuals affected with MARS-related conditions. ClinVar contains an entry for this variant (Variation ID: 2926850). In summary, the available evidence is currently insufficient to determine the role of this variant in disease. Therefore, it has been classified as a Variant of Uncertain Significance.